The following is an entry in ClinVar:

NM_020347.4(LZTFL1):c.69A>G (p.Ser23=)

Gene: LZTFL1 (leucine zipper transcription factor like 1; minus strand). Cytogenetic location: 3p21.31.
Variant type: single nucleotide variant.
Coding change: c.69A>G on transcript NM_020347.4 (MANE Select); coding-DNA position 69, A replaced by G.
Protein change: p.Ser23=; no amino-acid change (serine 23 retained).
Molecular consequence: synonymous variant. On other transcripts: intron variant (2).
Genome position (GRCh38, 1-based): chr3:45,837,986, T>C on the plus strand (A>G on the coding strand, the complement: LZTFL1 is on the minus strand). VCF-style: chr3-45837986-T-C. GRCh37 (hg19) VCF-style: chr3-45879478-T-C.
Other names: c.69A>G (NM_020347.3); c.18A>G, p.Ser6= (NM_001276378.2, NM_001386451.1, NM_001405922.1 and 4 more transcripts); c.69A>G, p.Ser23= (NM_001386452.1, NM_001405924.1); c.93A>G, p.Ser31= (NM_001405920.1, NM_001405925.1); c.117-2202A>G (NM_001276379.2, NM_001405921.1).
Identifiers: ClinVar variation 1910210 (VCV001910210.6), dbSNP rs369723198, ClinGen allele CA2352019.

ClinVar aggregate classification (germline): Likely benign. Review status: criteria provided, multiple submitters, no conflicts (2 of 4 stars). 2 submissions from 2 submitters: Likely benign (2). Last evaluated 2025-08-12.

Conditions:
LZTFL1-related disorder. Also called: LZTFL1-related condition.

Allele frequency attached by ClinVar (database versions not stated): ExAC 0.00001; gnomAD 0.00001; gnomAD exomes 0.00001; TOPMed 0.00001; ESP Exome Variant Server 0.00008.
gnomAD v4.1: 16 of 1,613,744 alleles (0.00099%); highest among the groups gnomAD compares: Non-Finnish European, 0.0013%; no homozygotes.

Submissions (2):

Labcorp Genetics (formerly Invitae), Labcorp
Classification: Likely benign. Last evaluated: 2025-08-12. Review status: criteria provided, single submitter. Criteria: Invitae Variant Classification Sherloc (09022015). Collection method: clinical testing. Allele origin: germline.

PreventionGenetics, part of Exact Sciences
Classification: Likely benign for LZTFL1-related condition. Last evaluated: 2025-01-31. Review status: criteria provided, single submitter. Criteria: ACMG Guidelines, 2015. Collection method: clinical testing. Allele origin: germline.
Comment: This variant is classified as likely benign based on ACMG/AMP sequence variant interpretation guidelines (Richards et al. 2015 PMID: 25741868, with internal and published modifications).